The following is an entry in ClinVar:

ClinVar aggregate classification (germline): Uncertain significance (1 of 4 stars; one submission).

Submission:

Labcorp Genetics (formerly Invitae), Labcorp
Classification: Uncertain significance. Last evaluated: 2023-03-23. Review status: criteria provided, single submitter. Criteria: Invitae Variant Classification Sherloc (09022015). Collection method: clinical testing. Allele origin: germline.
Comment: In summary, the available evidence is currently insufficient to determine the role of this variant in disease. Therefore, it has been classified as a Variant of Uncertain Significance. Advanced modeling of protein sequence and biophysical properties (such as structural, functional, and spatial information, amino acid conservation, physicochemical variation, residue mobility, and thermodynamic stability) performed at Invitae indicates that this missense variant is not expected to disrupt ATP6V1A protein function. This sequence change replaces isoleucine, which is neutral and non-polar, with leucine, which is neutral and non-polar, at codon 94 of the ATP6V1A protein (p.Ile94Leu). This variant is not present in population databases (gnomAD no frequency). This variant has not been reported in the literature in individuals affected with ATP6V1A-related conditions.

NM_001690.4(ATP6V1A):c.280A>C (p.Ile94Leu)

Gene: ATP6V1A (ATPase H+ transporting V1 subunit A; plus strand). Cytogenetic location: 3q13.31.
Variant type: single nucleotide variant.
Coding change: c.280A>C on transcript NM_001690.4 (MANE Select); coding-DNA position 280, A replaced by C.
Protein change: p.Ile94Leu; replaces isoleucine 94 with leucine.
Molecular consequence: missense variant.
Genome position (GRCh38, 1-based): chr3:113,784,292, A>C. VCF-style: chr3-113784292-A-C. GRCh37 (hg19) VCF-style: chr3-113503139-A-C.
Other names: short protein forms I94L.
Identifiers: ClinVar variation 2969749 (VCV002969749.3), dbSNP rs766598300, ClinGen allele CA354007445.
Genomic context (GRCh38, chr3:113,784,292, plus strand): 5'-TCTGTTGGAGATCCTGTACTTCGCACTGGTAAACCCCTCTCTGTAGAGCTTGGTCCTGGC[A>C]TTATGGGAGCCATTTTTGATGGTATTCAAAGACCTTTGTCGGATATCAGCAGTCAGACCC-3'
Protein context (NP_001681.2, residues 84-104): KPLSVELGPG[Ile94Leu]MGAIFDGIQR